The following is an entry in ClinVar:

ClinVar aggregate classification (germline): Uncertain significance (1 of 4 stars; one submission).

Conditions:
Ehlers-Danlos syndrome, classic type, 1 (EDSCL1). Also called: EHLERS-DANLOS SYNDROME, GRAVIS TYPE; EHLERS-DANLOS SYNDROME, SEVERE CLASSIC TYPE; Ehlers-Danlos syndrome, type 1; Ehlers-Danlos Syndrome, Classic Type, COL5A1-Related; EDS I. Identifiers: MedGen C0268335, MONDO:0019567, OMIM 130000.

Submission:

Labcorp Genetics (formerly Invitae), Labcorp
Classification: Uncertain significance for Ehlers-Danlos syndrome, classic type, 1. Last evaluated: 2023-03-27. Review status: criteria provided, single submitter. Criteria: Invitae Variant Classification Sherloc (09022015). Collection method: clinical testing. Allele origin: germline.
Comment: In summary, the available evidence is currently insufficient to determine the role of this variant in disease. Therefore, it has been classified as a Variant of Uncertain Significance. Advanced modeling of protein sequence and biophysical properties (such as structural, functional, and spatial information, amino acid conservation, physicochemical variation, residue mobility, and thermodynamic stability) performed at Invitae indicates that this missense variant is expected to disrupt COL5A2 protein function. This variant has not been reported in the literature in individuals affected with COL5A2-related conditions. This variant is not present in population databases (gnomAD no frequency). This sequence change replaces glycine, which is neutral and non-polar, with glutamic acid, which is acidic and polar, at codon 402 of the COL5A2 protein (p.Gly402Glu).

NM_000393.5(COL5A2):c.1205G>A (p.Gly402Glu)

Gene: COL5A2 (collagen type V alpha 2 chain; minus strand). Cytogenetic location: 2q32.2.
Variant type: single nucleotide variant.
Coding change: c.1205G>A on transcript NM_000393.5 (MANE Select); coding-DNA position 1205, G replaced by A.
Protein change: p.Gly402Glu; replaces glycine 402 with glutamic acid.
Molecular consequence: missense variant.
Genome position (GRCh38, 1-based): chr2:189,068,838, C>T on the plus strand (G>A on the coding strand, the complement: COL5A2 is on the minus strand). VCF-style: chr2-189068838-C-T. GRCh37 (hg19) VCF-style: chr2-189933564-C-T.
Other names: short protein forms G402E.
Identifiers: ClinVar variation 2850339 (VCV002850339.3), dbSNP rs2469314342, ClinGen allele CA349853699.